The following is an entry in ClinVar:

ClinVar aggregate classification (germline): Uncertain significance (1 of 4 stars; one submission).

Conditions:
MYRF-related disorder. Also called: MYRF-related condition; MYRF-related disorders.

Allele frequency attached by ClinVar (database versions not stated): gnomAD exomes below 0.00001.
gnomAD v4.1: 1 of 1,613,490 alleles (0.000062%); highest among the groups gnomAD compares: Non-Finnish European, 0.000085%; no homozygotes.

Submission:

PreventionGenetics, part of Exact Sciences
Classification: Uncertain significance for MYRF-related condition. Last evaluated: 2023-04-18. Review status: criteria provided, single submitter. Criteria: ACMG Guidelines, 2015. Collection method: clinical testing. Allele origin: germline.
Comment: The MYRF c.1171G>A variant is predicted to result in the amino acid substitution p.Asp391Asn. To our knowledge, this variant has not been reported in the literature or in a large population database, indicating this variant is rare. At this time, the clinical significance of this variant is uncertain due to the absence of conclusive functional and genetic evidence.

NM_001127392.3(MYRF):c.1171G>A (p.Asp391Asn)

Gene: MYRF (myelin regulatory factor; plus strand). Cytogenetic location: 11q12.2.
Variant type: single nucleotide variant.
Coding change: c.1171G>A on transcript NM_001127392.3 (MANE Select); coding-DNA position 1171, G replaced by A.
Protein change: p.Asp391Asn; replaces aspartic acid 391 with asparagine.
Molecular consequence: missense variant.
Genome position (GRCh38, 1-based): chr11:61,774,022, G>A. VCF-style: chr11-61774022-G-A. GRCh37 (hg19) VCF-style: chr11-61541494-G-A.
Other names: c.1144G>A, p.Asp382Asn (NM_013279.4); short protein forms D382N, D391N.
Identifiers: ClinVar variation 2632943 (VCV002632943.1), dbSNP rs2540929716, ClinGen allele CA380851916.